The following is an entry in ClinVar:

ClinVar aggregate classification (germline): Likely benign. Review status: criteria provided, single submitter (1 of 4 stars). 2 submissions from 2 submitters: Likely benign (1). 1 of the submissions does not count toward it. Last evaluated 2026-01-19.

Conditions:
SETBP1-related disorder. Also called: SETBP1-related condition; SETBP1-related disorders.

Allele frequency attached by ClinVar (database versions not stated): gnomAD exomes below 0.00001 and 0.00001; gnomAD 0.00001; ExAC 0.00002; TOPMed 0.00002; ESP Exome Variant Server 0.00015.
gnomAD v4.1: 5 of 1,614,028 alleles (0.00031%); highest among the groups gnomAD compares: African/African-American, 0.004%; no homozygotes.

Submissions (2):

Labcorp Genetics (formerly Invitae), Labcorp
Classification: Likely benign. Last evaluated: 2026-01-19. Review status: criteria provided, single submitter. Criteria: Invitae Variant Classification Sherloc (09022015). Collection method: clinical testing. Allele origin: germline.

PreventionGenetics, part of Exact Sciences
Classification: Likely benign for SETBP1-related condition. Last evaluated: 2021-09-30. Review status: no assertion criteria provided. Collection method: clinical testing. Allele origin: germline. Not counted in ClinVar's aggregate classification.
Comment: This variant is classified as likely benign based on ACMG/AMP sequence variant interpretation guidelines (Richards et al. 2015 PMID: 25741868, with internal and published modifications).

NM_015559.3(SETBP1):c.2874G>A (p.Glu958=)

Gene: SETBP1 (SET binding protein 1; plus strand). Cytogenetic location: 18q12.3.
Variant type: single nucleotide variant.
Coding change: c.2874G>A on transcript NM_015559.3 (MANE Select); coding-DNA position 2874, G replaced by A.
Protein change: p.Glu958=; no amino-acid change (glutamic acid 958 retained).
Molecular consequence: synonymous variant.
Genome position (GRCh38, 1-based): chr18:44,952,214, G>A. VCF-style: chr18-44952214-G-A. GRCh37 (hg19) VCF-style: chr18-42532179-G-A.
Other names: c.2874G>A (NM_015559.2); c.2874G>A, p.Glu958= (NM_001379141.1, NM_001379142.1).
Identifiers: ClinVar variation 1566839 (VCV001566839.10), dbSNP rs373201270, ClinGen allele CA8945817.